The following is an entry in ClinVar:

NM_031483.7(ITCH):c.2452G>A (p.Val818Ile)

Gene: ITCH (itchy E3 ubiquitin protein ligase; plus strand). Cytogenetic location: 20q11.22.
Variant type: single nucleotide variant.
Coding change: c.2452G>A on transcript NM_031483.7 (MANE Select); coding-DNA position 2452, G replaced by A.
Protein change: p.Val818Ile; replaces valine 818 with isoleucine.
Molecular consequence: missense variant.
Genome position (GRCh38, 1-based): chr20:34,504,366, G>A. VCF-style: chr20-34504366-G-A. GRCh37 (hg19) VCF-style: chr20-33092171-G-A.
Other names: c.2575G>A, p.Val859Ile (NM_001257137.3, NM_001324197.2); c.2122G>A, p.Val708Ile (NM_001257138.3); c.2452G>A, p.Val818Ile (NM_001324198.2); short protein forms V818I, V708I, V859I.
Identifiers: ClinVar variation 573498 (VCV000573498.8), dbSNP rs767087220, ClinGen allele CA9821975.

ClinVar aggregate classification (germline): Uncertain significance (1 of 4 stars; one submission).

Conditions:
Syndromic multisystem autoimmune disease due to ITCH deficiency. Also called: AUTOIMMUNE DISEASE, MULTISYSTEM, WITH FACIAL DYSMORPHISM. Identifiers: Orphanet 228426, MedGen C3150649, MONDO:0013245, OMIM 613385.

Allele frequency attached by ClinVar (database versions not stated): ExAC 0.00001; gnomAD exomes 0.00002; gnomAD 0.00003; TOPMed 0.00003.
gnomAD v4.1: 34 of 1,613,522 alleles (0.0021%); highest among the groups gnomAD compares: Non-Finnish European, 0.0029%; no homozygotes.

Submission:

Labcorp Genetics (formerly Invitae), Labcorp
Classification: Uncertain significance for Syndromic multisystem autoimmune disease due to ITCH deficiency. Last evaluated: 2022-10-08. Review status: criteria provided, single submitter. Criteria: Invitae Variant Classification Sherloc (09022015). Collection method: clinical testing. Allele origin: germline.
Comment: This sequence change replaces valine, which is neutral and non-polar, with isoleucine, which is neutral and non-polar, at codon 818 of the ITCH protein (p.Val818Ile). This variant is present in population databases (rs767087220, gnomAD 0.005%). This variant has not been reported in the literature in individuals affected with ITCH-related conditions. ClinVar contains an entry for this variant (Variation ID: 573498). Algorithms developed to predict the effect of missense changes on protein structure and function are either unavailable or do not agree on the potential impact of this missense change (SIFT: "Not Available"; PolyPhen-2: "Probably Damaging"; Align-GVGD: "Not Available"). In summary, the available evidence is currently insufficient to determine the role of this variant in disease. Therefore, it has been classified as a Variant of Uncertain Significance.